The following is an entry in ClinVar:

ClinVar aggregate classification (germline): Uncertain significance. Review status: criteria provided, single submitter (1 of 4 stars). 2 submissions from 2 submitters: Uncertain significance (1). 1 of the submissions does not count toward it. Last evaluated 2018-01-12.

Conditions:
Protein S deficiency disease. Also called: Protein S deficiency. Identifiers: MedGen C0242666, MeSH D018455, MONDO:0002304.
Thrombophilia due to protein S deficiency, autosomal dominant (THPH5). Identifiers: Orphanet 26349, Orphanet 743, MedGen C3278211, MONDO:0012868, OMIM 612336. Disease mechanism: loss of function.

Allele frequency attached by ClinVar (database versions not stated): gnomAD exomes 0.00024; gnomAD 0.00025 and 0.00026; TOPMed 0.00026.
gnomAD v4.1: 279 of 1,192,510 alleles (0.023%); highest among the groups gnomAD compares: Admixed American, 0.043%; no homozygotes.

Submissions (2):

Illumina Laboratory Services, Illumina
Classification: Uncertain significance for Thrombophilia due to protein S deficiency, autosomal dominant. Last evaluated: 2018-01-12. Review status: criteria provided, single submitter. Criteria: ICSL Variant Classification Criteria 13 December 2019. Collection method: clinical testing. Allele origin: germline.

ISTH-SSC Genomics in Thrombosis and Hemostasis, KU Leuven, Center for Molecular and Vascular Biology
Classification: Uncertain significance for Protein S deficiency disease. Review status: no assertion criteria provided. Collection method: clinical testing. Allele origin: unknown. Affected: yes. Not counted in ClinVar's aggregate classification.
Comment: Submitted to GoldVariant by Prof Kathleen Freson from Center for Molecular and Vascular Biology, Leuven, Belgium

NM_000313.4(PROS1):c.*119T>C

Gene: PROS1 (protein S; minus strand). Cytogenetic location: 3q11.1.
Variant type: single nucleotide variant.
Coding change: c.*119T>C on transcript NM_000313.4 (MANE Select); 119 bases downstream of the stop codon, T replaced by C.
Molecular consequence: 3 prime UTR variant.
Genome position (GRCh38, 1-based): chr3:93,874,126, A>G on the plus strand (T>C on the coding strand, the complement: PROS1 is on the minus strand). VCF-style: chr3-93874126-A-G. GRCh37 (hg19) VCF-style: chr3-93592970-A-G.
Other names: c.*119T>C (NM_001314077.2).
Identifiers: ClinVar variation 346878 (VCV000346878.6), dbSNP rs886058924, ClinGen allele CA10619715.
Genomic context (GRCh38, chr3:93,874,126, plus strand): 5'-TACTGTGATTTATATCACAACAGAATTTTTTTCCTTGACAAAGGACCTTTTAAAAATCCC[A>G]GGAAAGGACCACAAAATAATCAAAGACTGCACATTGTAAATAAAACCCTTCAGCTGTTAT-3'